The following is an entry in ClinVar:

ClinVar aggregate classification (germline): Likely benign. Review status: criteria provided, multiple submitters, no conflicts (2 of 4 stars). 3 submissions from 3 submitters: Likely benign (3). Last evaluated 2025-09-04.

Conditions:
Cardiovascular phenotype. Identifiers: MedGen CN230736.
Brugada syndrome. Also called: Sudden unexpected nocturnal death syndrome; Sudden unexplained nocturnal death syndrome; Sudden Unexplained Death Syndrome; Sudden Unexplained Nocturnal Death Syndrome (SUNDS). Identifiers: Orphanet 130, MedGen C1142166, MONDO:0015263.

Allele frequency attached by ClinVar (database versions not stated): gnomAD 0.00004; TOPMed 0.00007; gnomAD exomes 0.00019; ExAC 0.00025.
gnomAD v4.1: 71 of 1,613,852 alleles (0.0044%); highest among the groups gnomAD compares: Admixed American, 0.082%; no homozygotes.

Submissions (3):

Labcorp Genetics (formerly Invitae), Labcorp
Classification: Likely benign for Brugada syndrome. Last evaluated: 2025-09-04. Review status: criteria provided, single submitter. Criteria: Invitae Variant Classification Sherloc (09022015). Collection method: clinical testing. Allele origin: germline.

Ambry Genetics
Classification: Likely benign for Cardiovascular phenotype. Last evaluated: 2019-04-01. Review status: criteria provided, single submitter. Criteria: Ambry Variant Classification Scheme 2023. Collection method: clinical testing. Allele origin: germline.

GeneDx
Classification: Likely benign. Last evaluated: 2017-12-07. Review status: criteria provided, single submitter. Criteria: GeneDx Variant Classification (06012015). Collection method: clinical testing. Allele origin: germline. Affected: yes.
Comment: This variant is considered likely benign or benign based on one or more of the following criteria: it is a conservative change, it occurs at a poorly conserved position in the protein, it is predicted to be benign by multiple in silico algorithms, and/or has population frequency not consistent with disease.

NM_006514.4(SCN10A):c.1590C>T (p.His530=)

Gene: SCN10A (sodium voltage-gated channel alpha subunit 10; minus strand). Cytogenetic location: 3p22.2.
Variant type: single nucleotide variant.
Coding change: c.1590C>T on transcript NM_006514.4 (MANE Select); coding-DNA position 1590, C replaced by T.
Protein change: p.His530=; no amino-acid change (histidine 530 retained).
Molecular consequence: synonymous variant. On other transcripts: intron variant (1).
Genome position (GRCh38, 1-based): chr3:38,752,384, G>A on the plus strand (C>T on the coding strand, the complement: SCN10A is on the minus strand). VCF-style: chr3-38752384-G-A. GRCh37 (hg19) VCF-style: chr3-38793875-G-A.
Other names: c.1590C>T, p.His530= (NM_001293306.2); c.1462-2200C>T (NM_001293307.2).
Identifiers: ClinVar variation 517705 (VCV000517705.10), dbSNP rs770543896, ClinGen allele CA2320805.